The following is an entry in ClinVar:

ClinVar aggregate classification (germline): Uncertain significance (1 of 4 stars; one submission).

Submission:

Ambry Genetics
Classification: Uncertain significance. Last evaluated: 2025-06-22. Review status: criteria provided, single submitter. Criteria: Ambry Variant Classification Scheme 2023. Collection method: clinical testing. Allele origin: germline.
Comment: The p.A583T variant (also known as c.1747G>A), located in coding exon 15 of the A2ML1 gene, results from a G to A substitution at nucleotide position 1747. The alanine at codon 583 is replaced by threonine, an amino acid with similar properties. This amino acid position is conserved. In addition, the in silico prediction for this alteration is inconclusive. Based on the available evidence, the clinical significance of this variant remains unclear.

NM_144670.6(A2ML1):c.1747G>A (p.Ala583Thr)

Gene: A2ML1 (alpha-2-macroglobulin like 1; plus strand). Cytogenetic location: 12p13.31.
Variant type: single nucleotide variant.
Coding change: c.1747G>A on transcript NM_144670.6 (MANE Select); coding-DNA position 1747, G replaced by A.
Protein change: p.Ala583Thr; replaces alanine 583 with threonine.
Molecular consequence: missense variant.
Genome position (GRCh38, 1-based): chr12:8,847,612, G>A. VCF-style: chr12-8847612-G-A. GRCh37 (hg19) VCF-style: chr12-9000208-G-A.
Other names: c.274G>A, p.Ala92Thr (NM_001282424.3); short protein forms A92T, A583T.
Identifiers: ClinVar variation 4247285 (VCV004247285.1).